The following is an entry in ClinVar:

NM_000482.4(APOA4):c.116G>A (p.Ser39Asn)

Gene: APOA4 (apolipoprotein A4; minus strand). Cytogenetic location: 11q23.3.
Variant type: single nucleotide variant.
Coding change: c.116G>A on transcript NM_000482.4 (MANE Select); coding-DNA position 116, G replaced by A.
Protein change: p.Ser39Asn; replaces serine 39 with asparagine.
Molecular consequence: missense variant.
Genome position (GRCh38, 1-based): chr11:116,822,719, C>T on the plus strand (G>A on the coding strand, the complement: APOA4 is on the minus strand). VCF-style: chr11-116822719-C-T. GRCh37 (hg19) VCF-style: chr11-116693435-C-T.
Other names: short protein forms S39N.
Identifiers: ClinVar variation 3648196 (VCV003648196.2).
Genomic context (GRCh38, chr11:116,822,719, plus strand): 5'-TTGAGTTGCTGGGTGAGTTCAGATTTCTGGAGATGTTCCACGGCCTCCTTGGCATTGTTG[C>T]TCAGCTGGCTGAAGTAGTCCCACATCACCGTGGCCACCTGGTCAGCACTGACCTCAGCCC-3'
Protein context (NP_000473.2, residues 29-49): TVMWDYFSQL[Ser39Asn]NNAKEAVEHL

ClinVar aggregate classification (germline): Uncertain significance (1 of 4 stars; one submission).

Submission:

Labcorp Genetics (formerly Invitae), Labcorp
Classification: Uncertain significance. Last evaluated: 2024-03-30. Review status: criteria provided, single submitter. Criteria: Invitae Variant Classification Sherloc (09022015). Collection method: clinical testing. Allele origin: germline.
Comment: This sequence change replaces serine, which is neutral and polar, with asparagine, which is neutral and polar, at codon 39 of the APOA4 protein (p.Ser39Asn). This variant is not present in population databases (gnomAD no frequency). This variant has not been reported in the literature in individuals affected with APOA4-related conditions. Advanced modeling of protein sequence and biophysical properties (such as structural, functional, and spatial information, amino acid conservation, physicochemical variation, residue mobility, and thermodynamic stability) performed at Invitae indicates that this missense variant is expected to disrupt APOA4 protein function with a positive predictive value of 80%. In summary, the available evidence is currently insufficient to determine the role of this variant in disease. Therefore, it has been classified as a Variant of Uncertain Significance.